The following is an entry in ClinVar:

ClinVar aggregate classification (germline): Uncertain significance. Review status: criteria provided, multiple submitters, no conflicts (2 of 4 stars). 2 submissions from 2 submitters: Uncertain significance (2). Last evaluated 2024-01-03.

Conditions:
GPBAR1-related disorder. Also called: GPBAR1-related condition.

Allele frequency attached by ClinVar (database versions not stated): gnomAD exomes below 0.00001; ExAC 0.00001; gnomAD 0.00004; TOPMed 0.00006; 1000 Genomes Project 30x 0.00016; 1000 Genomes Project 0.00040.

Submissions (2):

Ambry Genetics
Classification: Uncertain significance. Last evaluated: 2024-01-03. Review status: criteria provided, single submitter. Criteria: Ambry Variant Classification Scheme 2023. Collection method: clinical testing. Allele origin: germline.

PreventionGenetics, part of Exact Sciences
Classification: Uncertain significance for GPBAR1-related condition. Last evaluated: 2022-11-07. Review status: criteria provided, single submitter. Criteria: ACMG Guidelines, 2015. Collection method: clinical testing. Allele origin: germline.
Comment: The GPBAR1 c.608A>T variant is predicted to result in the amino acid substitution p.Glu203Val. To our knowledge, this variant has not been reported in the literature. This variant is reported in 0.0030% of alleles in individuals of Latino descent in gnomAD. At this time, the clinical significance of this variant is uncertain due to the absence of conclusive functional and genetic evidence.

NM_170699.3(GPBAR1):c.608A>T (p.Glu203Val)

Gene: GPBAR1 (G protein-coupled bile acid receptor 1; plus strand). Cytogenetic location: 2q35.
Variant type: single nucleotide variant.
Coding change: c.608A>T on transcript NM_170699.3 (MANE Select); coding-DNA position 608, A replaced by T.
Protein change: p.Glu203Val; replaces glutamic acid 203 with valine.
Molecular consequence: missense variant.
Genome position (GRCh38, 1-based): chr2:218,263,332, A>T. VCF-style: chr2-218263332-A-T. GRCh37 (hg19) VCF-style: chr2-219128055-A-T.
Other names: c.608A>T, p.Glu203Val (NM_001077191.2, NM_001077194.2, NM_001321950.2); c.608A>T (NM_001077191.1); short protein forms E203V.
Identifiers: ClinVar variation 2629169 (VCV002629169.2), dbSNP rs540933933, ClinGen allele CA2102635.